The following is an entry in ClinVar:

ClinVar aggregate classification (germline): Pathogenic (1 of 4 stars; one submission).

Conditions:
Cortical dysplasia-focal epilepsy syndrome (PTHSL1). Also called: Pitt-Hopkins-like syndrome 1. Identifiers: Orphanet 163681, Orphanet 221150, MedGen C2750246, MONDO:0012400, OMIM 610042.

Submission:

Labcorp Genetics (formerly Invitae), Labcorp
Classification: Pathogenic for Cortical dysplasia-focal epilepsy syndrome. Last evaluated: 2022-09-07. Review status: criteria provided, single submitter. Criteria: Invitae Variant Classification Sherloc (09022015). Collection method: clinical testing. Allele origin: germline.
Comment: For these reasons, this variant has been classified as Pathogenic. ClinVar contains an entry for this variant (Variation ID: 1385730). This variant has not been reported in the literature in individuals affected with CNTNAP2-related conditions. This variant is not present in population databases (gnomAD no frequency). This sequence change creates a premature translational stop signal (p.Trp706*) in the CNTNAP2 gene. It is expected to result in an absent or disrupted protein product. Loss-of-function variants in CNTNAP2 are known to be pathogenic (PMID: 19896112, 21827697, 25045150, 26843181, 27439707).

Literature cited by the submitters: PubMed 19896112; PubMed 21827697; PubMed 25045150; PubMed 26843181; PubMed 27439707.

NM_014141.6(CNTNAP2):c.2117G>A (p.Trp706Ter)

Gene: CNTNAP2 (contactin associated protein 2; plus strand). Cytogenetic location: 7q35.
Variant type: single nucleotide variant.
Coding change: c.2117G>A on transcript NM_014141.6 (MANE Select); coding-DNA position 2117, G replaced by A.
Protein change: p.Trp706Ter; replaces tryptophan 706 with a stop codon.
Molecular consequence: nonsense.
Genome position (GRCh38, 1-based): chr7:147,903,583, G>A. VCF-style: chr7-147903583-G-A. GRCh37 (hg19) VCF-style: chr7-147600675-G-A.
Other names: short protein forms W706*.
Identifiers: ClinVar variation 1385730 (VCV001385730.6), dbSNP rs1799910521, ClinGen allele CA369926830.
Genomic context (GRCh38, chr7:147,903,583, plus strand): 5'-ACCCAGGTCTGTTTCTAAATATACCTTTGCCTTTTCTTGTAGATGGAAGCCCTTACACTT[G>A]GTGGGTTGGCAAAGCCAACGAGAAGCACTACTACTGGGGAGGCTCTGGGCCTGGAATCCA-3'